The following is an entry in ClinVar:

ClinVar aggregate classification (germline): Uncertain significance (1 of 4 stars; one submission).

Submission:

Ambry Genetics
Classification: Uncertain significance. Last evaluated: 2025-11-22. Review status: criteria provided, single submitter. Criteria: Ambry Variant Classification Scheme 2023. Collection method: clinical testing. Allele origin: germline.
Comment: The p.L77F variant (also known as c.231G>T), located in coding exon 2 of the IKBKAP gene, results from a G to T substitution at nucleotide position 231. The leucine at codon 77 is replaced by phenylalanine, an amino acid with highly similar properties. This amino acid position is conserved. In addition, this alteration is predicted to be tolerated by in silico analysis. Based on the available evidence, the clinical significance of this variant remains unclear.

NM_003640.5(ELP1):c.231G>T (p.Leu77Phe)

Gene: ELP1 (elongator acetyltransferase complex subunit 1; minus strand). Cytogenetic location: 9q31.3.
Variant type: single nucleotide variant.
Coding change: c.231G>T on transcript NM_003640.5 (MANE Select); coding-DNA position 231, G replaced by T.
Protein change: p.Leu77Phe; replaces leucine 77 with phenylalanine.
Molecular consequence: missense variant. On other transcripts: 5 prime UTR variant (2).
Genome position (GRCh38, 1-based): chr9:108,929,841, C>A on the plus strand (G>T on the coding strand, the complement: ELP1 is on the minus strand). VCF-style: chr9-108929841-C-A. GRCh37 (hg19) VCF-style: chr9-111692121-C-A.
Other names: c.-112G>T (NM_001318360.2); c.-629G>T (NM_001330749.2); short protein forms L77F.
Identifiers: ClinVar variation 4663980 (VCV004663980.1).